The following is an entry in ClinVar:

NM_030773.4(TUBB1):c.229C>T (p.Arg77Ter)

Gene: TUBB1 (tubulin beta 1 class VI; plus strand). Cytogenetic location: 20q13.32.
Variant type: single nucleotide variant.
Coding change: c.229C>T on transcript NM_030773.4 (MANE Select); coding-DNA position 229, C replaced by T.
Protein change: p.Arg77Ter; replaces arginine 77 with a stop codon.
Molecular consequence: nonsense.
Genome position (GRCh38, 1-based): chr20:59,023,552, C>T. VCF-style: chr20-59023552-C-T. GRCh37 (hg19) VCF-style: chr20-57598607-C-T.
Other names: short protein forms R77*.
Identifiers: ClinVar variation 627037 (VCV000627037.9), dbSNP rs767380935, ClinGen allele CA9928422.

ClinVar aggregate classification (germline): Conflicting classifications of pathogenicity. Review status: criteria provided, conflicting classifications (1 of 4 stars). 4 submissions from 4 submitters: Likely pathogenic (2); Uncertain significance (2). Last evaluated 2024-11-30.

Conditions:
Macrothrombocytopenia, isolated, 1, autosomal dominant (MACTHC1). Also called: Autosomal dominant macrothrombocytopenia TUBB1-related. Identifiers: Orphanet 140957, MedGen C5676892, MONDO:0800047, OMIM 613112.
Macrothrombocytopenia. Identifiers: MedGen C2751260, HP:0040185.

Allele frequency attached by ClinVar (database versions not stated): TOPMed 0.00002.
gnomAD v4.1: 91 of 1,614,030 alleles (0.0056%); highest among the groups gnomAD compares: Non-Finnish European, 0.0074%; no homozygotes.

Submissions (4):

Labcorp Genetics (formerly Invitae), Labcorp
Classification: Uncertain significance. Last evaluated: 2024-11-30. Review status: criteria provided, single submitter. Criteria: Invitae Variant Classification Sherloc (09022015). Collection method: clinical testing. Allele origin: germline.
Comment: This sequence change creates a premature translational stop signal (p.Arg77*) in the TUBB1 gene. It is expected to result in an absent or disrupted protein product. However, the current clinical and genetic evidence is not sufficient to establish whether loss-of-function variants in TUBB1 cause disease. This variant is present in population databases (rs767380935, gnomAD 0.004%). This premature translational stop signal has been observed in individual(s) with a platelet disorder (PMID: 31064749). ClinVar contains an entry for this variant (Variation ID: 627037). In summary, the available evidence is currently insufficient to determine the role of this variant in disease. Therefore, it has been classified as a Variant of Uncertain Significance.

Genomic Medicine Center of Excellence, King Faisal Specialist Hospital and Research Centre
Classification: Uncertain significance for Macrothrombocytopenia, isolated, 1, autosomal dominant. Last evaluated: 2024-03-26. Review status: criteria provided, single submitter. Criteria: ACMG Guidelines, 2015. Collection method: clinical testing. Allele origin: germline.

Genetic Services Laboratory, University of Chicago
Classification: Likely pathogenic. Last evaluated: 2022-01-25. Review status: criteria provided, single submitter. Criteria: ACMG Guidelines, 2015. Collection method: clinical testing. Allele origin: germline.

NIHR Bioresource Rare Diseases, University of Cambridge
Classification: Likely pathogenic for Macrothrombocytopenia. Last evaluated: 2019-02-01. Review status: criteria provided, single submitter. Criteria: ACMG Guidelines, 2015. Collection method: research. Allele origin: unknown. Affected: yes. Observed: 1 heterozygote. Study: ThromboGenomics.

Literature cited by the submitters: PubMed 31064749 (cited by Labcorp Genetics (formerly Invitae), Labcorp and NIHR Bioresource Rare Diseases, University of Cambridge).